The following is an entry in ClinVar:

ClinVar aggregate classification (germline): Uncertain significance (1 of 4 stars; one submission).

Submission:

GeneDx
Classification: Uncertain significance. Last evaluated: 2025-05-16. Review status: criteria provided, single submitter. Criteria: GeneDx Variant Classification Process June 2021. Collection method: clinical testing. Allele origin: germline. Affected: yes.
Comment: Not observed at significant frequency in large population cohorts (gnomAD); In silico analysis supports that this missense variant has a deleterious effect on protein structure/function; Has not been previously published as pathogenic or benign to our knowledge

NM_001206744.2(TPO):c.2468G>T (p.Cys823Phe)

Genes: LALTOP (lung cancer associated lncRNA targeting TOP2A; minus strand), TPO (thyroid peroxidase; plus strand). Cytogenetic location: 2p25.3.
Variant type: single nucleotide variant.
Coding change: c.2468G>T on transcript NM_001206744.2 (MANE Select); coding-DNA position 2468, G replaced by T.
Protein change: p.Cys823Phe; replaces cysteine 823 with phenylalanine.
Molecular consequence: missense variant. On other transcripts: intron variant (1).
Genome position (GRCh38, 1-based): chr2:1,504,029, G>T. VCF-style: chr2-1504029-G-T. GRCh37 (hg19) VCF-style: chr2-1507801-G-T.
Other names: c.2468G>T, p.Cys823Phe (NM_000547.6); c.2297G>T, p.Cys766Phe (NM_001206745.2, NM_175719.4); c.1949G>T, p.Cys650Phe (NM_175722.3); c.2386+7264G>T (NM_175721.3); short protein forms C650F, C766F, C823F.
Identifiers: ClinVar variation 3781306 (VCV003781306.2).